The following is an entry in ClinVar:

NM_138370.3(PKDCC):c.492del (p.Leu165fs)

Genes: PKDCC (protein kinase domain containing, cytoplasmic; plus strand), LOC129933566 (ATAC-STARR-seq lymphoblastoid active region 15635; plus strand). Cytogenetic location: 2p21.
Variant type: Deletion.
Coding change: c.492del on transcript NM_138370.3 (MANE Select); coding-DNA position 492, one base deleted (G; older notation c.492delG).
Protein change: p.Leu165fs; shifts the reading frame from leucine 165.
Molecular consequence: frameshift variant.
Genome position (GRCh38, 1-based): chr2:42,048,691, G deleted. VCF-style (leftmost placement, unchanged base first): chr2-42048690-CG-C. GRCh37 (hg19) VCF-style: chr2-42275830-CG-C.
Other names: c.492delG (NM_138370.3); short protein forms L165fs.
Identifiers: ClinVar variation 1455668 (VCV001455668.56), dbSNP rs1158542233, ClinGen allele CA768869170.

ClinVar aggregate classification (germline): Pathogenic/Likely pathogenic. Review status: criteria provided, multiple submitters, no conflicts (2 of 4 stars). 3 submissions from 3 submitters: Pathogenic (1); Likely pathogenic (1). 1 of the submissions does not count toward it. Last evaluated 2024-12-18.

Conditions:
Rhizomelic limb shortening with dysmorphic features. Identifiers: MedGen C5394173, MONDO:0032935, OMIM 618821.

Allele frequency attached by ClinVar (database versions not stated): gnomAD exomes below 0.00001; gnomAD 0.00002; TOPMed 0.00004; 1000 Genomes Project 30x 0.00016.

Submissions (3):

Labcorp Genetics (formerly Invitae), Labcorp
Classification: Pathogenic. Last evaluated: 2024-12-18. Review status: criteria provided, single submitter. Criteria: Invitae Variant Classification Sherloc (09022015). Collection method: clinical testing. Allele origin: germline.
Comment: This sequence change creates a premature translational stop signal (p.Leu165Serfs*65) in the PKDCC gene. It is expected to result in an absent or disrupted protein product. Loss-of-function variants in PKDCC are known to be pathogenic (PMID: 19097194, 30478137). This variant is not present in population databases (gnomAD no frequency). This variant has not been reported in the literature in individuals affected with PKDCC-related conditions. ClinVar contains an entry for this variant (Variation ID: 1455668). For these reasons, this variant has been classified as Pathogenic.

GeneDx
Classification: Likely pathogenic. Last evaluated: 2022-11-02. Review status: criteria provided, single submitter. Criteria: GeneDx Variant Classification Process June 2021. Collection method: clinical testing. Allele origin: germline. Affected: yes.
Comment: Frameshift variant predicted to result in protein truncation or nonsense mediated decay in a gene for which loss of function is a known mechanism of disease; Not observed at significant frequency in large population cohorts (gnomAD); Has not been previously published as pathogenic or benign to our knowledge

OMIM
Classification: Pathogenic for RHIZOMELIC LIMB SHORTENING WITH DYSMORPHIC FEATURES. Last evaluated: 2023-04-25. Review status: no assertion criteria provided. Collection method: literature only. Allele origin: germline. Not counted in ClinVar's aggregate classification.

Literature cited by the submitters: PubMed 19097194 (cited by Labcorp Genetics (formerly Invitae), Labcorp); PubMed 30478137 (cited by Labcorp Genetics (formerly Invitae), Labcorp); PubMed 36896672 (cited by OMIM).